The following is an entry in ClinVar:

NC_000016.9:g.(?_17292049)_(17451927_?)del

Gene: XYLT1 (xylosyltransferase 1; minus strand). Cytogenetic location: 16p12.3.
Variant type: Deletion.
Identifiers: ClinVar variation 3243529 (VCV003243529.1).

ClinVar aggregate classification (germline): Pathogenic (1 of 4 stars; one submission).

Conditions:
Desbuquois dysplasia 1 (DBQD1). Also called: MICROMELIC DWARFISM WITH VERTEBRAL AND METAPHYSEAL ABNORMALITIES AND ADVANCED CARPOTARSAL OSSIFICATION; DESBUQUOIS DYSPLASIA 1, KIM VARIANT. Identifiers: Orphanet 1425, MedGen C4012146, MONDO:0009629, OMIM 251450.

Submission:

Labcorp Genetics (formerly Invitae), Labcorp
Classification: Pathogenic for Desbuquois dysplasia 1. Last evaluated: 2023-08-06. Review status: criteria provided, single submitter. Criteria: Invitae Variant Classification Sherloc (09022015). Collection method: clinical testing. Allele origin: unknown.
Comment: For these reasons, this variant has been classified as Pathogenic. This variant has not been reported in the literature in individuals affected with XYLT1-related conditions. This variant is a gross deletion of the genomic region encompassing exon(s) 2-5 of the XYLT1 gene. This deletion is out-of-frame, and is expected to create a premature termination codon and result in an absent or disrupted protein product. Loss-of-function variants in XYLT1 are known to be pathogenic (PMID: 24581741, 26601923).

Literature cited by the submitters: PubMed 24581741; PubMed 26601923.